The following is an entry in ClinVar:

ClinVar aggregate classification (germline): Uncertain significance (1 of 4 stars; one submission).

Submission:

GeneDx
Classification: Uncertain significance. Last evaluated: 2026-01-21. Review status: criteria provided, single submitter. Criteria: GeneDx Variant Classification Process June 2021. Collection method: clinical testing. Allele origin: germline.
Comment: Not observed at significant frequency in large population cohorts (gnomAD); In silico analysis supports that this missense variant has a deleterious effect on protein structure/function; Has not been previously published as pathogenic or benign to our knowledge

NM_001323289.2(CDKL5):c.322C>G (p.Pro108Ala)

Gene: CDKL5 (cyclin dependent kinase like 5; plus strand). Cytogenetic location: Xp22.13.
Variant type: single nucleotide variant.
Coding change: c.322C>G on transcript NM_001323289.2 (MANE Select); coding-DNA position 322, C replaced by G.
Protein change: p.Pro108Ala; replaces proline 108 with alanine.
Molecular consequence: missense variant.
Genome position (GRCh38, 1-based): chrX:18,579,887, C>G. VCF-style: chrX-18579887-C-G. GRCh37 (hg19) VCF-style: chrX-18598007-C-G.
Other names: c.322C>G, p.Pro108Ala (NM_001037343.2, NM_003159.3); short protein forms P108A.
Identifiers: ClinVar variation 2501889 (VCV002501889.2), dbSNP rs2518849176, ClinGen allele CA412349983.